The following is an entry in ClinVar:

NM_139343.3(BIN1):c.310G>A (p.Ala104Thr)

Gene: BIN1 (bridging integrator 1; minus strand). Cytogenetic location: 2q14.3.
Variant type: single nucleotide variant.
Coding change: c.310G>A on transcript NM_139343.3 (MANE Select); coding-DNA position 310, G replaced by A.
Protein change: p.Ala104Thr; replaces alanine 104 with threonine.
Molecular consequence: missense variant.
Genome position (GRCh38, 1-based): chr2:127,070,558, C>T on the plus strand (G>A on the coding strand, the complement: BIN1 is on the minus strand). VCF-style: chr2-127070558-C-T. GRCh37 (hg19) VCF-style: chr2-127828134-C-T.
Other names: c.310G>A, p.Ala104Thr (NM_001320641.2, NM_004305.4, NM_139344.3 and 10 more transcripts); c.229G>A, p.Ala77Thr (NM_001320642.1); c.238G>A, p.Ala80Thr (NM_001320634.1); short protein forms A104T, A77T, A80T.
Identifiers: ClinVar variation 1060164 (VCV001060164.6), dbSNP rs754932468, ClinGen allele CA1857523.

ClinVar aggregate classification (germline): Uncertain significance (1 of 4 stars; one submission).

Conditions:
Myopathy, centronuclear, 2 (CNM2). Also called: MYOTUBULAR MYOPATHY, AUTOSOMAL RECESSIVE. Identifiers: Orphanet 169186, MedGen CN031787, MONDO:0009709, OMIM 255200.

Allele frequency attached by ClinVar (database versions not stated): ExAC 0.00001; gnomAD exomes below 0.00001; TOPMed 0.00001.
gnomAD v4.1: 2 of 1,614,066 alleles (0.00012%); highest among the groups gnomAD compares: Middle Eastern, 0.016%; no homozygotes.

Submission:

Labcorp Genetics (formerly Invitae), Labcorp
Classification: Uncertain significance for Myopathy, centronuclear, 2. Last evaluated: 2024-03-25. Review status: criteria provided, single submitter. Criteria: Invitae Variant Classification Sherloc (09022015). Collection method: clinical testing. Allele origin: germline.
Comment: This sequence change replaces alanine, which is neutral and non-polar, with threonine, which is neutral and polar, at codon 104 of the BIN1 protein (p.Ala104Thr). The frequency data for this variant in the population databases is considered unreliable, as metrics indicate poor data quality at this position in the gnomAD database. This variant has not been reported in the literature in individuals affected with BIN1-related conditions. ClinVar contains an entry for this variant (Variation ID: 1060164). Advanced modeling of protein sequence and biophysical properties (such as structural, functional, and spatial information, amino acid conservation, physicochemical variation, residue mobility, and thermodynamic stability) performed at Invitae indicates that this missense variant is not expected to disrupt BIN1 protein function with a negative predictive value of 80%. In summary, the available evidence is currently insufficient to determine the role of this variant in disease. Therefore, it has been classified as a Variant of Uncertain Significance.